The following is an entry in ClinVar:

NM_000138.5(FBN1):c.1943A>G (p.Asp648Gly)

Gene: FBN1 (fibrillin 1; minus strand). Cytogenetic location: 15q21.1.
Variant type: single nucleotide variant.
Coding change: c.1943A>G on transcript NM_000138.5 (MANE Select); coding-DNA position 1943, A replaced by G.
Protein change: p.Asp648Gly; replaces aspartic acid 648 with glycine.
Molecular consequence: missense variant.
Genome position (GRCh38, 1-based): chr15:48,505,042, T>C on the plus strand (A>G on the coding strand, the complement: FBN1 is on the minus strand). VCF-style: chr15-48505042-T-C. GRCh37 (hg19) VCF-style: chr15-48797239-T-C.
Other names: c.1943A>G, p.Asp648Gly (NM_001406716.1); short protein forms D648G.
Identifiers: ClinVar variation 4531015 (VCV004531015.1).
Genomic context (GRCh38, chr15:48,505,042, plus strand): 5'-AGGCTGAACCTCTCTCATAAGGTTAGCCATGATGTTTTCTTACCAACACACACACGGCCA[T>C]CCAGACCCACAGCCAGTCCAGGGAAGCATTCACATCTGTAGGAGCCATCAGTGTTGACGC-3'
Protein context (NP_000129.3, residues 638-658): ECFPGLAVGL[Asp648Gly]GRVCVDTHMR

ClinVar aggregate classification (germline): Uncertain significance (1 of 4 stars; one submission).

gnomAD v4.1: 1 of 1,614,090 alleles (0.000062%); highest among the groups gnomAD compares: Non-Finnish European, 0.000085%; no homozygotes.

Submission:

GeneDx
Classification: Uncertain significance. Last evaluated: 2025-05-22. Review status: criteria provided, single submitter. Criteria: GeneDx Variant Classification Process June 2021. Collection method: clinical testing. Allele origin: germline. Affected: yes.
Comment: Not observed at significant frequency in large population cohorts (gnomAD); In silico analysis supports that this missense variant has a deleterious effect on protein structure/function; Has not been previously published as pathogenic or benign to our knowledge; This variant is associated with the following publications: (PMID: 12938084)